The following is an entry in ClinVar:

NM_001291303.3(FAT4):c.13708G>A (p.Asp4570Asn)

Gene: FAT4 (FAT atypical cadherin 4; plus strand). Cytogenetic location: 4q28.1.
Variant type: single nucleotide variant.
Coding change: c.13708G>A on transcript NM_001291303.3 (MANE Select); coding-DNA position 13708, G replaced by A.
Protein change: p.Asp4570Asn; replaces aspartic acid 4570 with asparagine.
Molecular consequence: missense variant.
Genome position (GRCh38, 1-based): chr4:125,490,524, G>A. VCF-style: chr4-125490524-G-A. GRCh37 (hg19) VCF-style: chr4-126411679-G-A.
Other names: c.13705G>A, p.Asp4569Asn (NM_001291285.3, NM_001438397.1); c.8479G>A, p.Asp2827Asn (NM_001437895.1); c.13708G>A, p.Asp4570Asn (NM_001438396.1); c.13702G>A, p.Asp4568Asn (NM_024582.6); short protein forms D2827N, D4568N, D4569N, D4570N.
Identifiers: ClinVar variation 4279854 (VCV004279854.1).

ClinVar aggregate classification (germline): Uncertain significance (1 of 4 stars; one submission).

Conditions:
Van Maldergem syndrome 2 (VMLDS2). Identifiers: Orphanet 314679, MedGen C3809875, MONDO:0014242, OMIM 615546.
Hennekam lymphangiectasia-lymphedema syndrome 2 (HKLLS2). Identifiers: Orphanet 2136, MedGen C4014939, MONDO:0014454, OMIM 616006.

gnomAD v4.1: 3 of 1,614,146 alleles (0.00019%); highest among the groups gnomAD compares: East Asian, 0.0067%; no homozygotes.

Submission:

Clinical Genomics Laboratory, Washington University in St. Louis
Classification: Uncertain significance for Hennekam lymphangiectasia-lymphedema syndrome 2; Van Maldergem syndrome 2. Last evaluated: 2025-07-22. Review status: criteria provided, single submitter. Criteria: ACMG Guidelines, 2015. Collection method: clinical testing. Allele origin: germline.
Comment: A FAT4 c.13708G>A (p.Asp4570Asn) variant was identified at a heterozygous allelic fraction of 51.8%, a frequency which may be consistent with it being of germline origin. This variant, to our knowledge, has not been reported in the medical literature and is only observed on 3/1,614,146 alleles in the general population (gnomAD v4.1.0), indicating it is not a common variant. Computational predictors are uncertain as to the impact of this variant on FAT4 function. Due to limited information, and based on ACMG/AMP guidelines for variant interpretation (Richards S et al., PMID: 25741868), the clinical significance of this variant is uncertain at this time.